The following is an entry in ClinVar:

ClinVar aggregate classification (germline): Conflicting classifications of pathogenicity. Review status: criteria provided, conflicting classifications (1 of 4 stars). 2 submissions from 2 submitters: Pathogenic (1); Uncertain significance (1). Last evaluated 2025-08-26.

Allele frequency attached by ClinVar (database versions not stated): gnomAD exomes 0.00001; TOPMed 0.00002; gnomAD 0.00003.
gnomAD v4.1: 26 of 1,613,364 alleles (0.0016%); highest among the groups gnomAD compares: Admixed American, 0.0033%; no homozygotes.

Submissions (2):

Labcorp Genetics (formerly Invitae), Labcorp
Classification: Pathogenic. Last evaluated: 2025-08-26. Review status: criteria provided, single submitter. Criteria: Invitae Variant Classification Sherloc (09022015). Collection method: clinical testing. Allele origin: germline.
Comment: This sequence change creates a premature translational stop signal (p.Arg59*) in the C8A gene. It is expected to result in an absent or disrupted protein product. Loss-of-function variants in C8A are known to be pathogenic (PMID: 9759902). This variant is present in population databases (no rsID available, gnomAD 0.004%). This variant has not been reported in the literature in individuals affected with C8A-related conditions. ClinVar contains an entry for this variant (Variation ID: 1409664). Algorithms developed to predict the effect of sequence changes on RNA splicing suggest that this variant may disrupt the consensus splice site. For these reasons, this variant has been classified as Pathogenic.

Blueprint Genetics
Classification: Uncertain significance. Last evaluated: 2024-10-21. Review status: criteria provided, single submitter. Criteria: ACMG Guidelines, 2015. Collection method: clinical testing. Allele origin: germline.

Literature cited by the submitters: PubMed 9759902 (cited by Labcorp Genetics (formerly Invitae), Labcorp).

NM_000562.3(C8A):c.175C>T (p.Arg59Ter)

Gene: C8A (complement C8 alpha chain; plus strand). Cytogenetic location: 1p32.2.
Variant type: single nucleotide variant.
Coding change: c.175C>T on transcript NM_000562.3 (MANE Select); coding-DNA position 175, C replaced by T.
Protein change: p.Arg59Ter; replaces arginine 59 with a stop codon.
Molecular consequence: nonsense.
Genome position (GRCh38, 1-based): chr1:56,874,952, C>T. VCF-style: chr1-56874952-C-T. GRCh37 (hg19) VCF-style: chr1-57340625-C-T.
Other names: short protein forms R59*.
Identifiers: ClinVar variation 1409664 (VCV001409664.7), dbSNP rs1332885313, ClinGen allele CA340511722.